The following is an entry in ClinVar:

ClinVar aggregate classification (germline): Likely benign. Review status: criteria provided, multiple submitters, no conflicts (2 of 4 stars). 3 submissions from 3 submitters: Likely benign (2). 1 of the submissions does not count toward it. Last evaluated 2026-01-24.

Conditions:
Kabuki syndrome. Also called: Kabuki make-up syndrome; NIIKAWA-KUROKI SYNDROME. Identifiers: Orphanet 2322, MedGen C0796004, MONDO:0016512.
KMT2D-related disorder. Also called: KMT2D-Related Disorders.

Allele frequency attached by ClinVar (database versions not stated): ExAC 0.00010; gnomAD exomes 0.00010 and 0.00013; ESP Exome Variant Server 0.00016; gnomAD 0.00017 and 0.00020; TOPMed 0.00025; 1000 Genomes Project 30x 0.00047; 1000 Genomes Project 0.00060.
gnomAD v4.1: 221 of 1,614,008 alleles (0.014%); highest among the groups gnomAD compares: East Asian, 0.13%; no homozygotes.

Submissions (3):

Labcorp Genetics (formerly Invitae), Labcorp
Classification: Likely benign for Kabuki syndrome. Last evaluated: 2026-01-24. Review status: criteria provided, single submitter. Criteria: Invitae Variant Classification Sherloc (09022015). Collection method: clinical testing. Allele origin: germline.

Blueprint Genetics
Classification: Likely benign. Last evaluated: 2023-04-04. Review status: criteria provided, single submitter. Criteria: ACMG Guidelines, 2015. Collection method: clinical testing. Allele origin: germline.

PreventionGenetics, part of Exact Sciences
Classification: Likely benign for KMT2D-related condition. Last evaluated: 2021-05-12. Review status: no assertion criteria provided. Collection method: clinical testing. Allele origin: germline. Not counted in ClinVar's aggregate classification.
Comment: This variant is classified as likely benign based on ACMG/AMP sequence variant interpretation guidelines (Richards et al. 2015 PMID: 25741868, with internal and published modifications).

NM_003482.4(KMT2D):c.16194C>T (p.Asn5398=)

Gene: KMT2D (lysine methyltransferase 2D; minus strand). Cytogenetic location: 12q13.12.
Variant type: single nucleotide variant.
Coding change: c.16194C>T on transcript NM_003482.4 (MANE Select); coding-DNA position 16194, C replaced by T.
Protein change: p.Asn5398=; no amino-acid change (asparagine 5398 retained).
Molecular consequence: synonymous variant.
Genome position (GRCh38, 1-based): chr12:49,022,734, G>A on the plus strand (C>T on the coding strand, the complement: KMT2D is on the minus strand). VCF-style: chr12-49022734-G-A. GRCh37 (hg19) VCF-style: chr12-49416517-G-A.
Identifiers: ClinVar variation 716674 (VCV000716674.11), dbSNP rs199547050, ClinGen allele CA6545416.